The following is an entry in ClinVar:

NM_004336.5(BUB1):c.1820C>A (p.Ala607Glu)

Gene: BUB1 (BUB1 mitotic checkpoint serine/threonine kinase; minus strand). Cytogenetic location: 2q13.
Variant type: single nucleotide variant.
Coding change: c.1820C>A on transcript NM_004336.5 (MANE Select); coding-DNA position 1820, C replaced by A.
Protein change: p.Ala607Glu; replaces alanine 607 with glutamic acid.
Molecular consequence: missense variant.
Genome position (GRCh38, 1-based): chr2:110,655,795, G>T on the plus strand (C>A on the coding strand, the complement: BUB1 is on the minus strand). VCF-style: chr2-110655795-G-T. GRCh37 (hg19) VCF-style: chr2-111413372-G-T.
Other names: c.1760C>A, p.Ala587Glu (NM_001278616.2); c.1820C>A, p.Ala607Glu (NM_001278617.2); short protein forms A587E, A607E.
Identifiers: ClinVar variation 3262115 (VCV003262115.1).

ClinVar aggregate classification (germline): Uncertain significance (1 of 4 stars; one submission).

gnomAD v4.1: 1 of 1,613,862 alleles (0.000062%); highest among the groups gnomAD compares: Non-Finnish European, 0.000085%; no homozygotes.

Submission:

Ambry Genetics
Classification: Uncertain significance. Last evaluated: 2024-06-10. Review status: criteria provided, single submitter. Criteria: Ambry Variant Classification Scheme 2023. Collection method: clinical testing. Allele origin: germline.
Comment: The p.A607E variant (also known as c.1820C>A), located in coding exon 16 of the BUB1 gene, results from a C to A substitution at nucleotide position 1820. The alanine at codon 607 is replaced by glutamic acid, an amino acid with dissimilar properties. This amino acid position is conserved. In addition, this alteration is predicted to be tolerated by in silico analysis. Based on the available evidence, the clinical significance of this variant remains unclear.